The following is an entry in ClinVar:

NM_001846.4(COL4A2):c.2958G>A (p.Met986Ile)

Gene: COL4A2 (collagen type IV alpha 2 chain; plus strand). Cytogenetic location: 13q34.
Variant type: single nucleotide variant.
Coding change: c.2958G>A on transcript NM_001846.4 (MANE Select); coding-DNA position 2958, G replaced by A.
Protein change: p.Met986Ile; replaces methionine 986 with isoleucine.
Molecular consequence: missense variant.
Genome position (GRCh38, 1-based): chr13:110,484,960, G>A. VCF-style: chr13-110484960-G-A. GRCh37 (hg19) VCF-style: chr13-111137307-G-A.
Other names: short protein forms M986I.
Identifiers: ClinVar variation 2088315 (VCV002088315.4), dbSNP rs2502168185, ClinGen allele CA388728362.

ClinVar aggregate classification (germline): Uncertain significance (1 of 4 stars; one submission).

Submission:

Labcorp Genetics (formerly Invitae), Labcorp
Classification: Uncertain significance. Last evaluated: 2022-07-05. Review status: criteria provided, single submitter. Criteria: Invitae Variant Classification Sherloc (09022015). Collection method: clinical testing. Allele origin: germline.
Comment: In summary, the available evidence is currently insufficient to determine the role of this variant in disease. Therefore, it has been classified as a Variant of Uncertain Significance. Advanced modeling of protein sequence and biophysical properties (such as structural, functional, and spatial information, amino acid conservation, physicochemical variation, residue mobility, and thermodynamic stability) performed at Invitae indicates that this missense variant is not expected to disrupt COL4A2 protein function. This variant has not been reported in the literature in individuals affected with COL4A2-related conditions. This variant is not present in population databases (gnomAD no frequency). This sequence change replaces methionine, which is neutral and non-polar, with isoleucine, which is neutral and non-polar, at codon 986 of the COL4A2 protein (p.Met986Ile).